The following is an entry in ClinVar:

NM_000352.6(ABCC8):c.926C>G (p.Ala309Gly)

Gene: ABCC8 (ATP binding cassette subfamily C member 8; minus strand). Cytogenetic location: 11p15.1.
Variant type: single nucleotide variant.
Coding change: c.926C>G on transcript NM_000352.6 (MANE Select); coding-DNA position 926, C replaced by G.
Protein change: p.Ala309Gly; replaces alanine 309 with glycine.
Molecular consequence: missense variant. On other transcripts: non-coding transcript variant (1).
Genome position (GRCh38, 1-based): chr11:17,460,573, G>C on the plus strand (C>G on the coding strand, the complement: ABCC8 is on the minus strand). VCF-style: chr11-17460573-G-C. GRCh37 (hg19) VCF-style: chr11-17482120-G-C.
Other names: c.926C>G, p.Ala309Gly (NM_001287174.3, NM_001351295.2); c.923C>G, p.Ala308Gly (NM_001351296.2, NM_001351297.2); short protein forms A309G, A308G.
Identifiers: ClinVar variation 551365 (VCV000551365.4), dbSNP rs149347593, ClinGen allele CA5903726.
Genomic context (GRCh38, chr11:17,460,573, plus strand): 5'-TTCCCAAGGTGGTCCACGATCCCAAAGATGCACAGTGGCCCGGCGAAGCCCAGCAGGTCG[G>C]CCAAGATGCGGAAAGTGCTGCTGAGGACCAGGCGCCTCCCGAAGGCATGGCTGAGTGCCT-3'
Protein context (NP_000343.2, residues 299-319): LVLSSTFRIL[Ala309Gly]DLLGFAGPLC

ClinVar aggregate classification (germline): Uncertain significance. Review status: criteria provided, multiple submitters, no conflicts (2 of 4 stars). 4 submissions from 3 submitters: Uncertain significance (3). 1 of the submissions does not count toward it. Last evaluated 2026-01-06.

Conditions:
Transitory neonatal diabetes mellitus. Also called: Transient neonatal diabetes mellitus. Identifiers: MedGen C0342273, MONDO:0020525, HP:0008255.
Maturity-onset diabetes of the young (MODY). Also called: Maturity onset diabetes mellitus in young. Identifiers: Orphanet 552, MedGen C0342276, MONDO:0018911, HP:0004904.
Hyperinsulinemic hypoglycemia, familial, 1 (HHF1). Also called: Persistent hyperinsulinemic hypoglycemia of infancy; HYPERINSULINISM, FAMILIAL, WITH PANCREATIC NESIDIOBLASTOSIS; HYPOGLYCEMIA, HYPERINSULINEMIC, OF INFANCY; NESIDIOBLASTOSIS OF PANCREAS; Persistent Hyperinsulinemia Hypoglycemia of Infancy. Identifiers: Orphanet 276575, Orphanet 276598, MedGen C2931832, MONDO:0009734, OMIM 256450.

Allele frequency attached by ClinVar (database versions not stated): ExAC 0.00001; gnomAD exomes 0.00003 and 0.00002; TOPMed 0.00003; gnomAD 0.00001; ESP Exome Variant Server 0.00015.

Submissions (4):

Labcorp Genetics (formerly Invitae), Labcorp
Classification: Uncertain significance. Last evaluated: 2026-01-06. Review status: criteria provided, single submitter. Criteria: Invitae Variant Classification Sherloc (09022015). Collection method: clinical testing. Allele origin: germline.
Comment: This sequence change replaces alanine, which is neutral and non-polar, with glycine, which is neutral and non-polar, at codon 309 of the ABCC8 protein (p.Ala309Gly). This variant is present in population databases (rs149347593, gnomAD 0.005%). This missense change has been observed in individual(s) with congenital hyperinsulinism (PMID: 23345197). ClinVar contains an entry for this variant (Variation ID: 551365). Invitae Evidence Modeling of protein sequence and biophysical properties (such as structural, functional, and spatial information, amino acid conservation, physicochemical variation, residue mobility, and thermodynamic stability) has been performed for this missense variant. However, the output from this modeling did not meet the statistical confidence thresholds required to predict the impact of this variant on ABCC8 protein function. In summary, the available evidence is currently insufficient to determine the role of this variant in disease. Therefore, it has been classified as a Variant of Uncertain Significance.

Clinical Genomics, Uppaluri K&H Personalized Medicine Clinic
Classification: Uncertain significance for Maturity-onset diabetes of the young. Review status: criteria provided, single submitter. Criteria: K & H Uppaluri Personalized Medicine Clinic Variant Classification & Assertion Criteria_Updated V.1. Collection method: research. Allele origin: unknown. Inheritance: Somatic mutation.
Comment: Mutations in ABCC8 gene are associated with both neonatal diabetes mellitus as well as MODY. Patients with this mutation may have a better response to sulfonylureas. However, no sufficient evidence is found to ascertain the role of this particular variant ( rs149347593) in MODY yet.

Clinical Genomics, Uppaluri K&H Personalized Medicine Clinic
Classification: Uncertain significance for Transitory neonatal diabetes mellitus. Review status: criteria provided, single submitter. Criteria: K & H Uppaluri Personalized Medicine Clinic Variant Classification & Assertion Criteria_Updated V.1. Collection method: research. Allele origin: unknown. Inheritance: Somatic mutation.
Comment: Mutations in ABCC8 gene are associated with both neonatal diabetes mellitus as well as MODY. Patients with this mutation may have a better response to sulfonylureas. However, no sufficient evidence is found to ascertain the role of this particular variant (rs149347593) in neonatal diabetes yet.

Counsyl
Classification: Uncertain significance for Hyperinsulinemic hypoglycemia, familial, 1. Last evaluated: 2017-04-05. Review status: no assertion criteria provided. Collection method: clinical testing. Allele origin: unknown. Not counted in ClinVar's aggregate classification.

Literature cited by the submitters: PubMed 23345197 (cited by Labcorp Genetics (formerly Invitae), Labcorp and Counsyl); PubMed 16885549 (cited by Clinical Genomics, Uppaluri K&H Personalized Medicine Clinic); PubMed 21989597 (cited by Clinical Genomics, Uppaluri K&H Personalized Medicine Clinic); PubMed 27538677 (cited by Clinical Genomics, Uppaluri K&H Personalized Medicine Clinic); PubMed 18981553 (cited by Clinical Genomics, Uppaluri K&H Personalized Medicine Clinic); PubMed 32027066 (cited by Clinical Genomics, Uppaluri K&H Personalized Medicine Clinic); PubMed 16613899 (cited by Clinical Genomics, Uppaluri K&H Personalized Medicine Clinic); PubMed 18025408 (cited by Clinical Genomics, Uppaluri K&H Personalized Medicine Clinic); PubMed 32792356 (cited by Clinical Genomics, Uppaluri K&H Personalized Medicine Clinic).